The following is an entry in ClinVar:

NM_006648.4(WNK2):c.2423C>A (p.Ala808Glu)

Gene: WNK2 (WNK lysine deficient protein kinase 2; plus strand). Cytogenetic location: 9q22.31.
Variant type: single nucleotide variant.
Coding change: c.2423C>A on transcript NM_006648.4 (MANE Select); coding-DNA position 2423, C replaced by A.
Protein change: p.Ala808Glu; replaces alanine 808 with glutamic acid.
Molecular consequence: missense variant.
Genome position (GRCh38, 1-based): chr9:93,258,971, C>A. VCF-style: chr9-93258971-C-A. GRCh37 (hg19) VCF-style: chr9-96021253-C-A.
Other names: c.2423C>A, p.Ala808Glu (NM_001282394.3); short protein forms A808E.
Identifiers: ClinVar variation 3982105 (VCV003982105.1).

ClinVar aggregate classification (germline): Uncertain significance (1 of 4 stars; one submission).

gnomAD v4.1: 2 of 1,612,722 alleles (0.00012%); highest among the groups gnomAD compares: Non-Finnish European, 0.00017%; no homozygotes.

Submission:

Ambry Genetics
Classification: Uncertain significance. Last evaluated: 2025-05-24. Review status: criteria provided, single submitter. Criteria: Ambry Variant Classification Scheme 2023. Collection method: clinical testing. Allele origin: germline.
Comment: The p.A808E variant (also known as c.2423C>A), located in coding exon 11 of the WNK2 gene, results from a C to A substitution at nucleotide position 2423. The alanine at codon 808 is replaced by glutamic acid, an amino acid with dissimilar properties. This amino acid position is conserved. In addition, this alteration is predicted to be tolerated by in silico analysis. Based on the available evidence, the clinical significance of this variant remains unclear.